The following is an entry in ClinVar:

ClinVar aggregate classification (germline): Uncertain significance (1 of 4 stars; one submission).

Conditions:
Hereditary cancer-predisposing syndrome. Also called: Neoplastic Syndromes, Hereditary; Tumor predisposition; Hereditary neoplastic syndrome; Hereditary Cancer Syndrome. Identifiers: Orphanet 140162, MedGen C0027672, MeSH D009386, MONDO:0015356.

Submission:

Ambry Genetics
Classification: Uncertain significance for Hereditary cancer-predisposing syndrome. Last evaluated: 2023-12-07. Review status: criteria provided, single submitter. Criteria: Ambry Variant Classification Scheme 2023. Collection method: clinical testing. Allele origin: germline.
Comment: The p.A1273S variant (also known as c.3817G>T), located in coding exon 31 of the TSC2 gene, results from a G to T substitution at nucleotide position 3817. The alanine at codon 1273 is replaced by serine, an amino acid with similar properties. This amino acid position is conserved. In addition, the in silico prediction for this alteration is inconclusive. Since supporting evidence is limited at this time, the clinical significance of this alteration remains unclear.

NM_000548.5(TSC2):c.3817G>T (p.Ala1273Ser)

Gene: TSC2 (TSC complex subunit 2; plus strand). Cytogenetic location: 16p13.3.
Variant type: single nucleotide variant.
Coding change: c.3817G>T on transcript NM_000548.5 (MANE Select); coding-DNA position 3817, G replaced by T.
Protein change: p.Ala1273Ser; replaces alanine 1273 with serine.
Molecular consequence: missense variant. On other transcripts: non-coding transcript variant (1), intron variant (33).
Genome position (GRCh38, 1-based): chr16:2,082,438, G>T. VCF-style: chr16-2082438-G-T. GRCh37 (hg19) VCF-style: chr16-2132439-G-T.
Other names: c.3085G>T, p.Ala1029Ser (NM_001318831.2); c.3685G>T, p.Ala1229Ser (NM_001370404.1, NM_001406665.1); c.3688G>T, p.Ala1230Ser (NM_001370405.1, NM_021055.3); c.3814G>T, p.Ala1272Ser (NM_001406663.1); c.3217G>T, p.Ala1073Ser (NM_001406680.1); c.2344G>T, p.Ala782Ser (NM_001406690.1); c.2341G>T, p.Ala781Ser (NM_001406691.1); c.2341+640G>T (NM_001406693.1, NM_001406692.1, NM_001406694.1); and 25 more; short protein forms A1029S, A1073S, A1229S, A1230S, A1272S, A1273S, A781S, A782S.
Identifiers: ClinVar variation 3232155 (VCV003232155.1), dbSNP rs1596404280, ClinGen allele CA394294790.